The following is an entry in ClinVar:

ClinVar aggregate classification (germline): Uncertain significance (1 of 4 stars; one submission).

Conditions:
Autoimmune lymphoproliferative syndrome type 2A (ALPS2A). Also called: CASP10-Related Autoimmune Lymphoproliferative Syndrome; AUTOIMMUNE LYMPHOPROLIFERATIVE SYNDROME, TYPE IIA; Autoimmune lymphoproliferative syndrome type 2. Identifiers: Orphanet 3261, MedGen C1858968, MONDO:0011383, OMIM 603909.

gnomAD v4.1: 1 of 1,614,150 alleles (0.000062%); highest among the groups gnomAD compares: East Asian, 0.0022%; no homozygotes.

Submission:

Labcorp Genetics (formerly Invitae), Labcorp
Classification: Uncertain significance for Autoimmune lymphoproliferative syndrome type 2A. Last evaluated: 2025-10-29. Review status: criteria provided, single submitter. Criteria: Invitae Variant Classification Sherloc (09022015). Collection method: clinical testing. Allele origin: germline.
Comment: This sequence change replaces lysine, which is basic and polar, with arginine, which is basic and polar, at codon 40 of the CASP10 protein (p.Lys40Arg). This variant is present in population databases (no rsID available, gnomAD 0.006%). This variant has not been reported in the literature in individuals affected with CASP10-related conditions. Invitae Evidence Modeling of protein sequence and biophysical properties (such as structural, functional, and spatial information, amino acid conservation, physicochemical variation, residue mobility, and thermodynamic stability) indicates that this missense variant is not expected to disrupt CASP10 protein function with a negative predictive value of 80%. In summary, the available evidence is currently insufficient to determine the role of this variant in disease. Therefore, it has been classified as a Variant of Uncertain Significance.

NM_032977.4(CASP10):c.119A>G (p.Lys40Arg)

Gene: CASP10 (caspase 10; plus strand). Cytogenetic location: 2q33.1.
Variant type: single nucleotide variant.
Coding change: c.119A>G on transcript NM_032977.4 (MANE Select); coding-DNA position 119, A replaced by G.
Protein change: p.Lys40Arg; replaces lysine 40 with arginine.
Molecular consequence: missense variant.
Genome position (GRCh38, 1-based): chr2:201,185,896, A>G. VCF-style: chr2-201185896-A-G. GRCh37 (hg19) VCF-style: chr2-202050619-A-G.
Other names: c.119A>G, p.Lys40Arg (NM_001306083.2, NM_032974.5, NM_032976.4 and 3 more transcripts); short protein forms K40R.
Identifiers: ClinVar variation 4794492 (VCV004794492.1).
Genomic context (GRCh38, chr2:201,185,896, plus strand): 5'-TTCGTGAGAAGCTTCTGATTATTGATTCAAACCTGGGGGTCCAAGATGTGGAGAACCTCA[A>G]GTTTCTCTGCATAGGATTGGTCCCCAACAAGAAGCTGGAGAAGTCCAGCTCAGCCTCAGA-3'
Protein context (NP_116759.2, residues 30-50): NLGVQDVENL[Lys40Arg]FLCIGLVPNK